The following is an entry in ClinVar:

ClinVar aggregate classification (germline): Uncertain significance. Review status: criteria provided, multiple submitters, no conflicts (2 of 4 stars). 2 submissions from 2 submitters: Uncertain significance (2). Last evaluated 2025-06-04.

Conditions:
Autosomal recessive juvenile Parkinson disease 2. Also called: PARKINSON DISEASE, JUVENILE, AUTOSOMAL RECESSIVE; Parkinson disease autosomal recessive, early onset; Juvenile parkinsonism; Parkinsonism, early onset, with diurnal fluctuation; PRKN-Related Early-Onset Parkinson Disease; Parkinson disease, juvenile, type 2. Identifiers: Orphanet 2828, MedGen C1868675, MONDO:0010820, OMIM 600116.

Allele frequency attached by ClinVar (database versions not stated): gnomAD exomes below 0.00001.

Submissions (2):

Institute of Immunology and Genetics Kaiserslautern
Classification: Uncertain significance for Autosomal recessive juvenile Parkinson disease 2. Last evaluated: 2025-06-04. Review status: criteria provided, single submitter. Criteria: ACMG Guidelines, 2015. Collection method: clinical testing. Allele origin: germline. Affected: yes.
Comment: ACMG Criteria: PM2, PP3; Variant was found in homozygous state.

Suna and Inan Kirac Foundation Neurodegeneration Research Laboratory, Koc University
Classification: Uncertain significance for Autosomal recessive juvenile Parkinson disease 2. Last evaluated: 2022-01-07. Review status: criteria provided, single submitter. Criteria: ACMG Guidelines, 2015. Collection method: research. Allele origin: germline. Affected: yes. Observed: 1 variant allele.

NM_004562.3(PRKN):c.915G>T (p.Arg305Ser)

Gene: PRKN (parkin RBR E3 ubiquitin protein ligase; minus strand). Cytogenetic location: 6q26.
Variant type: single nucleotide variant.
Coding change: c.915G>T on transcript NM_004562.3 (MANE Select); coding-DNA position 915, G replaced by T.
Protein change: p.Arg305Ser; replaces arginine 305 with serine.
Molecular consequence: missense variant.
Genome position (GRCh38, 1-based): chr6:161,569,373, C>A on the plus strand (G>T on the coding strand, the complement: PRKN is on the minus strand). VCF-style: chr6-161569373-C-A. GRCh37 (hg19) VCF-style: chr6-161990405-C-A.
Other names: c.831G>T, p.Arg277Ser (NM_013987.3); c.468G>T, p.Arg156Ser (NM_013988.3); c.915G>T (NM_004562.2); short protein forms R156S, R277S, R305S.
Identifiers: ClinVar variation 1334463 (VCV001334463.3), dbSNP rs2115480005, ClinGen allele CA366459455.